The following is an entry in ClinVar:

ClinVar aggregate classification (germline): Uncertain significance (1 of 4 stars; one submission).

Allele frequency attached by ClinVar (database versions not stated): gnomAD exomes below 0.00001.
gnomAD v4.1: 1 of 1,614,160 alleles (0.000062%); highest among the groups gnomAD compares: Non-Finnish European, 0.000085%; no homozygotes.

Submission:

GeneDx
Classification: Uncertain significance. Last evaluated: 2023-01-18. Review status: criteria provided, single submitter. Criteria: GeneDx Variant Classification Process June 2021. Collection method: clinical testing. Allele origin: germline. Affected: yes.
Comment: Not observed at significant frequency in large population cohorts (gnomAD); In silico analysis supports that this missense variant does not alter protein structure/function; Has not been previously published as pathogenic or benign to our knowledge

NM_138927.4(SON):c.2261A>G (p.Gln754Arg)

Gene: SON (SON DNA and RNA binding protein; plus strand). Cytogenetic location: 21q22.11.
Variant type: single nucleotide variant.
Coding change: c.2261A>G on transcript NM_138927.4 (MANE Select); coding-DNA position 2261, A replaced by G.
Protein change: p.Gln754Arg; replaces glutamine 754 with arginine.
Molecular consequence: missense variant. On other transcripts: non-coding transcript variant (1), intron variant (1).
Genome position (GRCh38, 1-based): chr21:33,551,492, A>G. VCF-style: chr21-33551492-A-G. GRCh37 (hg19) VCF-style: chr21-34923798-A-G.
Other names: c.2261A>G, p.Gln754Arg (NM_001291411.2, NM_001412133.1, NM_032195.3 and 2 more transcripts); c.244+5113A>G (NM_001291412.3); short protein forms Q754R.
Identifiers: ClinVar variation 2573937 (VCV002573937.1), dbSNP rs2517361658, ClinGen allele CA410157558.